The following is an entry in ClinVar:

NM_000465.4(BARD1):c.1379C>T (p.Ala460Val)

Gene: BARD1 (BRCA1 associated RING domain 1; minus strand). Cytogenetic location: 2q35.
Variant type: single nucleotide variant.
Coding change: c.1379C>T on transcript NM_000465.4 (MANE Select); coding-DNA position 1379, C replaced by T.
Protein change: p.Ala460Val; replaces alanine 460 with valine.
Molecular consequence: missense variant. On other transcripts: non-coding transcript variant (3), intron variant (3).
Genome position (GRCh38, 1-based): chr2:214,769,248, G>A on the plus strand (C>T on the coding strand, the complement: BARD1 is on the minus strand). VCF-style: chr2-214769248-G-A. GRCh37 (hg19) VCF-style: chr2-215633972-G-A.
Other names: c.1322C>T, p.Ala441Val (NM_001282543.2); c.159-16693C>T (NM_001282548.2); c.216-16693C>T (NM_001282545.2); c.364+23049C>T (NM_001282549.2); c.1379C>T (NM_000465.2); short protein forms A460V, A441V.
Identifiers: ClinVar variation 1501330 (VCV001501330.9), dbSNP rs2106081153, ClinGen allele CA350450146.

ClinVar aggregate classification (germline): Uncertain significance. Review status: criteria provided, multiple submitters, no conflicts (2 of 4 stars). 3 submissions from 3 submitters: Uncertain significance (3). Last evaluated 2024-12-06.

Conditions:
Hereditary cancer-predisposing syndrome. Also called: Hereditary neoplastic syndrome; Tumor predisposition; Neoplastic Syndromes, Hereditary; Hereditary Cancer Syndrome. Identifiers: Orphanet 140162, MedGen C0027672, MeSH D009386, MONDO:0015356.
Familial cancer of breast. Also called: hereditary breast carcinoma; Hereditary breast cancer; BREAST CANCER, FAMILIAL. Identifiers: Orphanet 227535, MedGen C0346153, MONDO:0016419, OMIM 114480. Disease mechanism: loss of function.

Submissions (3):

Ambry Genetics
Classification: Uncertain significance for Hereditary cancer-predisposing syndrome. Last evaluated: 2024-12-06. Review status: criteria provided, single submitter. Criteria: Ambry Variant Classification Scheme 2023. Collection method: clinical testing. Allele origin: germline.
Comment: The p.A460V variant (also known as c.1379C>T), located in coding exon 5 of the BARD1 gene, results from a C to T substitution at nucleotide position 1379. The alanine at codon 460 is replaced by valine, an amino acid with similar properties. This amino acid position is conserved. In addition, the in silico prediction for this alteration is inconclusive. Based on the available evidence, the clinical significance of this variant remains unclear.

Baylor Genetics
Classification: Uncertain significance for Familial cancer of breast. Last evaluated: 2023-07-18. Review status: criteria provided, single submitter. Criteria: ACMG Guidelines, 2015. Collection method: clinical testing. Allele origin: unknown.

Labcorp Genetics (formerly Invitae), Labcorp
Classification: Uncertain significance for Familial cancer of breast. Last evaluated: 2023-07-12. Review status: criteria provided, single submitter. Criteria: Invitae Variant Classification Sherloc (09022015). Collection method: clinical testing. Allele origin: germline.
Comment: An algorithm developed to predict the effect of missense changes on protein structure and function (PolyPhen-2) suggests that this variant is likely to be disruptive. In summary, the available evidence is currently insufficient to determine the role of this variant in disease. Therefore, it has been classified as a Variant of Uncertain Significance. ClinVar contains an entry for this variant (Variation ID: 1501330). This variant has not been reported in the literature in individuals affected with BARD1-related conditions. This variant is not present in population databases (gnomAD no frequency). This sequence change replaces alanine, which is neutral and non-polar, with valine, which is neutral and non-polar, at codon 460 of the BARD1 protein (p.Ala460Val).